The following is an entry in ClinVar:

NM_015046.7(SETX):c.81C>T (p.Ser27=)

Gene: SETX (senataxin; minus strand). Cytogenetic location: 9q34.13.
Variant type: single nucleotide variant.
Coding change: c.81C>T on transcript NM_015046.7 (MANE Select); coding-DNA position 81, C replaced by T.
Protein change: p.Ser27=; no amino-acid change (serine 27 retained).
Molecular consequence: synonymous variant.
Genome position (GRCh38, 1-based): chr9:132,349,348, G>A on the plus strand (C>T on the coding strand, the complement: SETX is on the minus strand). VCF-style: chr9-132349348-G-A. GRCh37 (hg19) VCF-style: chr9-135224735-G-A.
Other names: p.Ser27=; c.81C>T, p.Ser27= (NM_001351527.2, NM_001351528.2).
Identifiers: ClinVar variation 703898 (VCV000703898.45), dbSNP rs149229231, ClinGen allele CA5298135.

ClinVar aggregate classification (germline): Conflicting classifications of pathogenicity. Review status: criteria provided, conflicting classifications (1 of 4 stars). 7 submissions from 7 submitters: Uncertain significance (1); Benign (1); Likely benign (4). 1 of the submissions does not count toward it. Last evaluated 2025-12-17.

Conditions:
SETX-related disorder. Also called: SETX-related disorders; SETX-related condition. Identifiers: MedGen CN239403.
Amyotrophic lateral sclerosis type 4 (ALS4). Also called: AMYOTROPHIC LATERAL SCLEROSIS 4, JUVENILE; NEURONOPATHY, DISTAL HEREDITARY MOTOR, WITH PYRAMIDAL FEATURES. Identifiers: Orphanet 357043, MedGen C1865409, MONDO:0011223, OMIM 602433.
Spinocerebellar ataxia, autosomal recessive, with axonal neuropathy 2 (SCAN2). Also called: ATAXIA-OCULOMOTOR APRAXIA 2; Ataxia with Oculomotor Apraxia; Ataxia with Oculomotor Apraxia Type 2; Ataxia-ocular apraxia-2. Identifiers: Orphanet 64753, MedGen C1853761, MONDO:0018996, OMIM 606002.
Hereditary spastic paraplegia. Also called: Familial spastic paraparesis. Identifiers: Orphanet 685, MedGen C0037773, MONDO:0019064. Disease mechanism: loss of function.

Allele frequency attached by ClinVar (database versions not stated): gnomAD exomes 0.00007 and 0.00016; ExAC 0.00017; gnomAD 0.00067 and 0.00076; ESP Exome Variant Server 0.00069; 1000 Genomes Project 30x 0.00078; 1000 Genomes Project 0.00080; TOPMed 0.00091.
gnomAD v4.1: 211 of 1,614,042 alleles (0.013%); highest among the groups gnomAD compares: African/African-American, 0.2%; no homozygotes.

Submissions (7):

Labcorp Genetics (formerly Invitae), Labcorp
Classification: Likely benign for Amyotrophic lateral sclerosis type 4; Spinocerebellar ataxia, autosomal recessive, with axonal neuropathy 2. Last evaluated: 2025-12-17. Review status: criteria provided, single submitter. Criteria: Invitae Variant Classification Sherloc (09022015). Collection method: clinical testing. Allele origin: germline.

Athena Diagnostics
Classification: Benign. Last evaluated: 2025-10-09. Review status: criteria provided, single submitter. Criteria: Athena Diagnostics Criteria. Collection method: clinical testing. Allele origin: unknown.
Comment: The frequency of this variant in the general population is higher than would generally be expected for pathogenic variants in this gene. Computational tools yielded predictions that this variant is unlikely to have an effect on normal RNA splicing. This nucleotide position exhibits low evolutionary conservation.

Mayo Clinic Laboratories, Mayo Clinic
Classification: Likely benign. Last evaluated: 2025-07-29. Review status: criteria provided, single submitter. Criteria: ACMG Guidelines, 2015. Collection method: clinical testing. Allele origin: germline. Observed: 1 variant allele.
Comment: BS1, BP4, BP7

CeGaT Center for Human Genetics Tuebingen
Classification: Likely benign. Last evaluated: 2022-11-01. Review status: criteria provided, single submitter. Criteria: CeGaT Center For Human Genetics Tuebingen Variant Classification Criteria Version 2. Collection method: clinical testing. Allele origin: germline. Affected: yes. Observed: 1 variant allele.
Comment: SETX: BP4, BP7

ARUP Laboratories, Molecular Genetics and Genomics, ARUP Laboratories
Classification: Likely benign. Last evaluated: 2022-03-09. Review status: criteria provided, single submitter. Criteria: ARUP Molecular Germline Variant Investigation Process 2021. Collection method: clinical testing. Allele origin: germline.

Genome Diagnostics Laboratory, The Hospital for Sick Children
Classification: Uncertain significance for Hereditary spastic paraplegia. Last evaluated: 2017-05-29. Review status: criteria provided, single submitter. Criteria: ACMG Guidelines, 2015. Collection method: clinical testing. Allele origin: germline. Affected: yes.

PreventionGenetics, part of Exact Sciences
Classification: Likely benign for SETX-related condition. Last evaluated: 2024-02-09. Review status: no assertion criteria provided. Collection method: clinical testing. Allele origin: germline. Not counted in ClinVar's aggregate classification.
Comment: This variant is classified as likely benign based on ACMG/AMP sequence variant interpretation guidelines (Richards et al. 2015 PMID: 25741868, with internal and published modifications).